The following is an entry in ClinVar:

ClinVar aggregate classification (germline): Pathogenic/Likely pathogenic. Review status: criteria provided, multiple submitters, no conflicts (2 of 4 stars). 11 submissions from 11 submitters: Pathogenic (8); Likely pathogenic (1). 2 of the submissions do not count toward it. Last evaluated 2026-06-16.

Conditions:
TYR-related disorder. Also called: TYR-related condition.
Oculocutaneous albinism type 1A (OCA1A). Also called: Albinism, oculocutaneous, type IA. Identifiers: Orphanet 352731, Orphanet 79431, MedGen C4551504, MONDO:0008745, OMIM 203100. Disease mechanism: loss of function.
Oculocutaneous albinism type 1B (OCA1B). Also called: ALBINISM, OCULOCUTANEOUS, TYPE IB; ALBINISM, YELLOW MUTANT TYPE; YELLOW ALBINISM. Identifiers: Orphanet 352731, Orphanet 352737, Orphanet 79434, MedGen C1847024, MONDO:0011749, OMIM 606952.
SKIN/HAIR/EYE PIGMENTATION 3, LIGHT/DARK SKIN (SHEP3). Also called: SKIN/HAIR/EYE PIGMENTATION, VARIATION IN, 3; EYE COLOR 1; EYE COLOR, GREEN/BLUE; SKIN/HAIR/EYE PIGMENTATION 3, BLUE/GREEN EYE COLOR; SKIN/HAIR/EYE PIGMENTATION 3, FRECKLING. Identifiers: MedGen C2677190, OMIM 601800.
Oculocutaneous albinism type 1. Also called: Albinism 1; ALBINISM I. Identifiers: Orphanet 352731, MedGen C0268494, MONDO:0018135. Disease mechanism: loss of function.

Allele frequency attached by ClinVar (database versions not stated): gnomAD exomes 0.00001; TOPMed 0.00001.

Submissions (11):

PreventionGenetics, part of Exact Sciences
Classification: Pathogenic for TYR-related condition. Last evaluated: 2026-06-16. Review status: criteria provided, single submitter. Criteria: ACMG Guidelines, 2015. Collection method: clinical testing. Allele origin: germline.
Comment: The TYR c.1342G>A variant is predicted to result in the amino acid substitution p.Asp448Asn. This variant has been reported in multiple individuals with oculocutaneous albinism (Passmore et al. 1999. PubMed ID: 10987646; King et al. 2003. PubMed ID: 13680365; Hutton et al. 2008. PubMed ID: 18463683; Mauri et al. 2016. PubMed ID: 27734839). This variant is present in 0.0035% of alleles in individuals of European (Non-Finnish) descent in gnomAD. This variant has been classified as pathogenic by multiple independent submitters to the ClinVar database (Variation ID: 3802). Given the evidence, we interpret this variant as pathogenic.

Myriad Genetics, Inc.
Classification: Pathogenic for Oculocutaneous albinism type 1. Last evaluated: 2026-03-20. Review status: criteria provided, single submitter. Criteria: Myriad Autosomal Dominant, Autosomal Recessive and X-Linked Classification Criteria (2023). Collection method: clinical testing. Allele origin: unknown.
Comment: NM_000372.4(TYR):c.1342G>A(D448N) is a missense variant classified as pathogenic in the context of oculocutaneous albinism, TYR-related. D448N has been observed in cases with relevant disease (PMID: 29345414, 27734839, 18463683). Relevant functional assessments of this variant are not available in the literature. D448N has been observed in referenced population frequency databases. In summary, NM_000372.4(TYR):c.1342G>A(D448N) is a missense variant that has been observed more frequently in cases with the relevant disease than in healthy populations. Please note: this variant was assessed in the context of healthy population screening.

Labcorp Genetics (formerly Invitae), Labcorp
Classification: Pathogenic. Last evaluated: 2024-11-05. Review status: criteria provided, single submitter. Criteria: Invitae Variant Classification Sherloc (09022015). Collection method: clinical testing. Allele origin: germline.
Comment: This sequence change replaces aspartic acid, which is acidic and polar, with asparagine, which is neutral and polar, at codon 448 of the TYR protein (p.Asp448Asn). This variant is present in population databases (rs104894318, gnomAD 0.005%). This missense change has been observed in individual(s) with TYR-related conditions (PMID: 1642278, 10987646, 13680365, 27734839). In at least one individual the data is consistent with being in trans (on the opposite chromosome) from a pathogenic variant. ClinVar contains an entry for this variant (Variation ID: 3802). Invitae Evidence Modeling of protein sequence and biophysical properties (such as structural, functional, and spatial information, amino acid conservation, physicochemical variation, residue mobility, and thermodynamic stability) has been performed for this missense variant. However, the output from this modeling did not meet the statistical confidence thresholds required to predict the impact of this variant on TYR protein function. For these reasons, this variant has been classified as Pathogenic.

Victorian Clinical Genetics Services, Murdoch Childrens Research Institute
Classification: Pathogenic for Oculocutaneous albinism type 1B. Last evaluated: 2024-10-28. Review status: criteria provided, single submitter. Criteria: ACMG Guidelines, 2015. Collection method: clinical testing. Allele origin: germline. Affected: yes.
Comment: This variant is classified as Pathogenic. Evidence in support of pathogenic classification: Variant is present in gnomAD <0.01 for a recessive condition (v4: 18 heterozygote(s), 0 homozygote(s)); This variant has strong previous evidence of pathogenicity in unrelated individuals. This variant has been classified as likely pathogenic or pathogenic by multiple clinical laboratories in ClinVar, and reported in the literature in multiple compound heterozygous and homozygous individuals with oculocutaneous albinism (PMIDs: 27734839, 18463683). Additional information: Variant is predicted to result in a missense amino acid change from aspartic acid to asparagine; This variant is heterozygous; This gene is associated with autosomal recessive disease; Multiple alternative amino acid changes at the same position have been observed in gnomAD (v4) (highest allele count: 3 heterozygotes, 0 homozygotes); Variant is not located in an established domain, motif, hotspot or informative constraint region; Missense variant with inconclusive in silico prediction and uninformative conservation; Loss of function is a known mechanism of disease in this gene and is associated with oculocutaneous albinism type IA (MIM#203100) and type IB (MIM#606952); Inheritance information for this variant is not currently available in this individual.

Fulgent Genetics
Classification: Pathogenic for Oculocutaneous albinism type 1A; SKIN/HAIR/EYE PIGMENTATION 3, LIGHT/DARK SKIN; Oculocutaneous albinism type 1B. Last evaluated: 2024-03-14. Review status: criteria provided, single submitter. Criteria: ACMG Guidelines, 2015. Collection method: clinical testing. Allele origin: germline.

Blueprint Genetics
Classification: Pathogenic for TYR-related disorders. Last evaluated: 2024-02-19. Review status: criteria provided, single submitter. Criteria: ACMG Guidelines, 2015. Collection method: clinical testing. Allele origin: germline. Affected: yes. Observed: 5 variant alleles.

Baylor Genetics
Classification: Pathogenic for SKIN/HAIR/EYE PIGMENTATION 3, LIGHT/DARK SKIN. Last evaluated: 2024-01-08. Review status: criteria provided, single submitter. Criteria: ACMG Guidelines, 2015. Collection method: clinical testing. Allele origin: unknown.

CeGaT Center for Human Genetics Tuebingen
Classification: Likely pathogenic. Last evaluated: 2022-09-01. Review status: criteria provided, single submitter. Criteria: CeGaT Center For Human Genetics Tuebingen Variant Classification Criteria Version 2. Collection method: clinical testing. Allele origin: germline. Affected: yes. Observed: 2 variant alleles.

Genome-Nilou Lab
Classification: Pathogenic for Oculocutaneous albinism type 1A. Last evaluated: 2021-07-22. Review status: criteria provided, single submitter. Criteria: ACMG Guidelines, 2015. Collection method: clinical testing. Allele origin: germline. Affected: yes.

OMIM
Classification: Pathogenic for ALBINISM, OCULOCUTANEOUS, TYPE IA. Last evaluated: 1992-07-15. Review status: no assertion criteria provided. Collection method: literature only. Allele origin: germline. Not counted in ClinVar's aggregate classification.

Retina International
No classification provided. Review status: no classification provided. Collection method: not provided. Allele origin: not provided. Not counted in ClinVar's aggregate classification.

Literature cited by the submitters: PubMed 18463683 (cited by Myriad Genetics, Inc. and Victorian Clinical Genetics Services, Murdoch Childrens Research Institute); PubMed 27734839 (cited by 3 submitters); PubMed 29345414 (cited by Myriad Genetics, Inc.); PubMed 1642278 (cited by Labcorp Genetics (formerly Invitae), Labcorp and OMIM); PubMed 10987646 (cited by Labcorp Genetics (formerly Invitae), Labcorp); PubMed 13680365 (cited by Labcorp Genetics (formerly Invitae), Labcorp).

NM_000372.5(TYR):c.1342G>A (p.Asp448Asn)

Gene: TYR (tyrosinase; plus strand). Cytogenetic location: 11q14.3.
Variant type: single nucleotide variant.
Coding change: c.1342G>A on transcript NM_000372.5 (MANE Select); coding-DNA position 1342, G replaced by A.
Protein change: p.Asp448Asn; replaces aspartic acid 448 with asparagine.
Molecular consequence: missense variant.
Genome position (GRCh38, 1-based): chr11:89,284,930, G>A. VCF-style: chr11-89284930-G-A. GRCh37 (hg19) VCF-style: chr11-89018098-G-A.
Other names: short protein forms D448N.
Identifiers: ClinVar variation 3802 (VCV000003802.54), dbSNP rs104894318, ClinGen allele CA227526.